The following is an entry in ClinVar:

ClinVar aggregate classification (germline): Uncertain significance (1 of 4 stars; one submission).

Conditions:
Glycine encephalopathy. Also called: Non-ketotic hyperglycinemia; Nonketotic hyperglycinemia. Identifiers: Orphanet 407, MedGen C0751748, MONDO:0011612, HP:0008288.

Submission:

Labcorp Genetics (formerly Invitae), Labcorp
Classification: Uncertain significance for Glycine encephalopathy. Last evaluated: 2022-04-28. Review status: criteria provided, single submitter. Criteria: Invitae Variant Classification Sherloc (09022015). Collection method: clinical testing. Allele origin: germline.
Comment: In summary, the available evidence is currently insufficient to determine the role of this variant in disease. Therefore, it has been classified as a Variant of Uncertain Significance. Advanced modeling of protein sequence and biophysical properties (such as structural, functional, and spatial information, amino acid conservation, physicochemical variation, residue mobility, and thermodynamic stability) performed at Invitae indicates that this missense variant is not expected to disrupt GLDC protein function. This variant has not been reported in the literature in individuals affected with GLDC-related conditions. This variant is not present in population databases (gnomAD no frequency). This sequence change replaces threonine, which is neutral and polar, with arginine, which is basic and polar, at codon 277 of the GLDC protein (p.Thr277Arg).

NM_000170.3(GLDC):c.830C>G (p.Thr277Arg)

Gene: GLDC (glycine decarboxylase; minus strand). Cytogenetic location: 9p24.1.
Variant type: single nucleotide variant.
Coding change: c.830C>G on transcript NM_000170.3 (MANE Select); coding-DNA position 830, C replaced by G.
Protein change: p.Thr277Arg; replaces threonine 277 with arginine.
Molecular consequence: missense variant.
Genome position (GRCh38, 1-based): chr9:6,605,162, G>C on the plus strand (C>G on the coding strand, the complement: GLDC is on the minus strand). VCF-style: chr9-6605162-G-C. GRCh37 (hg19) VCF-style: chr9-6605162-G-C.
Other names: short protein forms T277R.
Identifiers: ClinVar variation 2131480 (VCV002131480.4), dbSNP rs1009395229, ClinGen allele CA372896324.